The following is an entry in ClinVar:

ClinVar aggregate classification (germline): Likely benign. Review status: criteria provided, multiple submitters, no conflicts (2 of 4 stars). 4 submissions from 4 submitters: Likely benign (3). 1 of the submissions does not count toward it. Last evaluated 2026-01-20.

Conditions:
Mucopolysaccharidosis, MPS-III-A (MPS3A). Also called: MUCOPOLYSACCHARIDOSIS, TYPE IIIA, ATTENUATED; HEPARAN SULFATE SULFATASE DEFICIENCY; SANFILIPPO SYNDROME A; SULFAMIDASE DEFICIENCY; Mucopolysaccharidosis, type IIIA; MPS III A. Identifiers: Orphanet 581, Orphanet 79269, MedGen C0086647, MONDO:0009655, OMIM 252900.

Allele frequency attached by ClinVar (database versions not stated): gnomAD exomes 0.00005 and 0.00003; TOPMed 0.00012; gnomAD 0.00008; 1000 Genomes Project 0.00020; ExAC 0.00004; 1000 Genomes Project 30x 0.00016; ESP Exome Variant Server 0.00031.
gnomAD v4.1: 80 of 1,613,698 alleles (0.005%); highest among the groups gnomAD compares: African/African-American, 0.029%; no homozygotes.

Submissions (4):

Labcorp Genetics (formerly Invitae), Labcorp
Classification: Likely benign for Mucopolysaccharidosis, MPS-III-A. Last evaluated: 2026-01-20. Review status: criteria provided, single submitter. Criteria: Invitae Variant Classification Sherloc (09022015). Collection method: clinical testing. Allele origin: germline.

Mayo Clinic Laboratories, Mayo Clinic
Classification: Likely benign. Last evaluated: 2025-02-11. Review status: criteria provided, single submitter. Criteria: ACMG Guidelines, 2015. Collection method: clinical testing. Allele origin: germline. Observed: 1 variant allele.
Comment: BP4, PM2_supporting

Blueprint Genetics
Classification: Likely benign. Last evaluated: 2023-02-10. Review status: criteria provided, single submitter. Criteria: ACMG Guidelines, 2015. Collection method: clinical testing. Allele origin: germline.

Natera, Inc.
Classification: Likely benign for Mucopolysaccharidosis type IIIA. Last evaluated: 2021-01-02. Review status: no assertion criteria provided. Collection method: clinical testing. Allele origin: germline. Not counted in ClinVar's aggregate classification.

NM_000199.5(SGSH):c.1104C>T (p.His368=)

Gene: SGSH (N-sulfoglucosamine sulfohydrolase; minus strand). Cytogenetic location: 17q25.3.
Variant type: single nucleotide variant.
Coding change: c.1104C>T on transcript NM_000199.5 (MANE Select); coding-DNA position 1104, C replaced by T.
Protein change: p.His368=; no amino-acid change (histidine 368 retained).
Molecular consequence: synonymous variant. On other transcripts: 3 prime UTR variant (2), non-coding transcript variant (1).
Genome position (GRCh38, 1-based): chr17:80,210,857, G>A on the plus strand (C>T on the coding strand, the complement: SGSH is on the minus strand). VCF-style: chr17-80210857-G-A. GRCh37 (hg19) VCF-style: chr17-78184656-G-A.
Other names: p.His368=; c.*191C>T (NM_001352921.3); c.*154C>T (NM_001352922.2).
Identifiers: ClinVar variation 721850 (VCV000721850.17), dbSNP rs111800668, ClinGen allele CA8817676.